The following is an entry in ClinVar:

ClinVar aggregate classification (germline): Uncertain significance (1 of 4 stars; one submission).

Allele frequency attached by ClinVar (database versions not stated): gnomAD exomes below 0.00001; TOPMed below 0.00001.
gnomAD v4.1: 1 of 1,613,002 alleles (0.000062%); highest among the groups gnomAD compares: African/African-American, 0.0013%; no homozygotes.

Submission:

GeneDx
Classification: Uncertain significance. Last evaluated: 2017-02-06. Review status: criteria provided, single submitter. Criteria: GeneDx Variant Classification (06012015). Collection method: clinical testing. Allele origin: germline. Affected: yes.
Comment: The T566I variant in the RAI1 gene has not been reported previously as a pathogenic variant, nor as a benign variant, to our knowledge. The T566I variant is not observed in large population cohorts (Lek et al., 2016; 1000 Genomes Consortium et al., 2015; Exome Variant Server). The T566I variant is a non-conservative amino acid substitution, which is likely to impact secondary protein structure as these residues differ in polarity, charge, size and/or other properties. This substitution occurs at a position that is conserved across species. In silico analysis predicts this variant is probably damaging to the protein structure/function. We interpret T566I as a variant of uncertain significance.

NM_030665.4(RAI1):c.1697C>T (p.Thr566Ile)

Gene: RAI1 (retinoic acid induced 1; plus strand). Cytogenetic location: 17p11.2.
Variant type: single nucleotide variant.
Coding change: c.1697C>T on transcript NM_030665.4 (MANE Select); coding-DNA position 1697, C replaced by T.
Protein change: p.Thr566Ile; replaces threonine 566 with isoleucine.
Molecular consequence: missense variant.
Genome position (GRCh38, 1-based): chr17:17,794,645, C>T. VCF-style: chr17-17794645-C-T. GRCh37 (hg19) VCF-style: chr17-17697959-C-T.
Other names: short protein forms T566I.
Identifiers: ClinVar variation 393265 (VCV000393265.2), dbSNP rs1057524861, ClinGen allele CA16607539.
Genomic context (GRCh38, chr17:17,794,645, plus strand): 5'-CGAAGGCCAAGCCCGAGTCCGTGTCCACCTGTTCTGTGACCTCTCCTGACGACATGTCCA[C>T]CAAATCTGACGACTCCTTCCAGAGCCTACACGGCAGTCTGCCGCTCGACAGCTTCTCCAA-3'
Protein context (NP_109590.3, residues 556-576): CSVTSPDDMS[Thr566Ile]KSDDSFQSLH